The following is an entry in ClinVar:

NM_020719.3(PRR12):c.4734C>T (p.Asp1578=)

Gene: PRR12 (proline rich 12; plus strand). Cytogenetic location: 19q13.33.
Variant type: single nucleotide variant.
Coding change: c.4734C>T on transcript NM_020719.3 (MANE Select); coding-DNA position 4734, C replaced by T.
Protein change: p.Asp1578=; no amino-acid change (aspartic acid 1578 retained).
Molecular consequence: synonymous variant.
Genome position (GRCh38, 1-based): chr19:49,601,879, C>T. VCF-style: chr19-49601879-C-T. GRCh37 (hg19) VCF-style: chr19-50105136-C-T.
Identifiers: ClinVar variation 4989479 (VCV004989479.2).

ClinVar aggregate classification (germline): Likely benign. Review status: criteria provided, multiple submitters, no conflicts (2 of 4 stars). 2 submissions from 2 submitters: Likely benign (2). Last evaluated 2026-07-01.

Conditions:
PRR12-related disorder. Also called: PRR12-related condition.

gnomAD v4.1: 81 of 1,612,330 alleles (0.005%); highest among the groups gnomAD compares: South Asian, 0.064%; 1 homozygote.

Submissions (2):

CeGaT Center for Human Genetics Tuebingen
Classification: Likely benign. Last evaluated: 2026-07-01. Review status: criteria provided, single submitter. Criteria: CeGaT Center For Human Genetics Tuebingen Variant Classification Criteria Version 2. Collection method: clinical testing. Allele origin: germline. Affected: yes. Observed: 1 variant allele.
Comment: PRR12: BP4, BP7

PreventionGenetics, part of Exact Sciences
Classification: Likely benign for PRR12-related condition. Last evaluated: 2026-04-07. Review status: criteria provided, single submitter. Criteria: ACMG Guidelines, 2015. Collection method: clinical testing. Allele origin: germline.
Comment: This variant is classified as likely benign based on ACMG/AMP sequence variant interpretation guidelines (Richards et al. 2015 PMID: 25741868, with internal and published modifications).